The following is an entry in ClinVar:

ClinVar aggregate classification (germline): Uncertain significance (1 of 4 stars; one submission).

Allele frequency attached by ClinVar (database versions not stated): gnomAD exomes below 0.00001.

Submission:

Labcorp Genetics (formerly Invitae), Labcorp
Classification: Uncertain significance. Last evaluated: 2023-05-23. Review status: criteria provided, single submitter. Criteria: Invitae Variant Classification Sherloc (09022015). Collection method: clinical testing. Allele origin: germline.
Comment: This variant has not been reported in the literature in individuals affected with CNNM4-related conditions. ClinVar contains an entry for this variant (Variation ID: 1370724). Advanced modeling of protein sequence and biophysical properties (such as structural, functional, and spatial information, amino acid conservation, physicochemical variation, residue mobility, and thermodynamic stability) performed at Invitae indicates that this missense variant is expected to disrupt CNNM4 protein function. In summary, the available evidence is currently insufficient to determine the role of this variant in disease. Therefore, it has been classified as a Variant of Uncertain Significance. This variant is present in population databases (no rsID available, gnomAD no frequency). This sequence change replaces valine, which is neutral and non-polar, with phenylalanine, which is neutral and non-polar, at codon 490 of the CNNM4 protein (p.Val490Phe).

NM_020184.4(CNNM4):c.1468G>T (p.Val490Phe)

Gene: CNNM4 (cyclin and CBS domain divalent metal cation transport mediator 4; plus strand). Cytogenetic location: 2q11.2.
Variant type: single nucleotide variant.
Coding change: c.1468G>T on transcript NM_020184.4 (MANE Select); coding-DNA position 1468, G replaced by T.
Protein change: p.Val490Phe; replaces valine 490 with phenylalanine.
Molecular consequence: missense variant.
Genome position (GRCh38, 1-based): chr2:96,797,077, G>T. VCF-style: chr2-96797077-G-T. GRCh37 (hg19) VCF-style: chr2-97462814-G-T.
Other names: short protein forms V490F.
Identifiers: ClinVar variation 1370724 (VCV001370724.6), dbSNP rs1396996990, ClinGen allele CA347702400.
Genomic context (GRCh38, chr2:96,797,077, plus strand): 5'-TCCCACCTGGCCATCGTGCAGAAGGTAAACAACGAGGGTGAGGGTGACCCCTTCTACGAG[G>T]TCCTGGGCCTGGTCACCCTGGAGGACGTGATCGAGGAGATCATCAAGTCGGAGATCCTGG-3'
Protein context (NP_064569.3, residues 480-500): NEGEGDPFYE[Val490Phe]LGLVTLEDVI